The following is an entry in ClinVar:

NM_004629.2(FANCG):c.398C>T (p.Pro133Leu)

Gene: FANCG (FA complementation group G; minus strand). Cytogenetic location: 9p13.3.
Variant type: single nucleotide variant.
Coding change: c.398C>T on transcript NM_004629.2 (MANE Select); coding-DNA position 398, C replaced by T.
Protein change: p.Pro133Leu; replaces proline 133 with leucine.
Molecular consequence: missense variant.
Genome position (GRCh38, 1-based): chr9:35,078,253, G>A on the plus strand (C>T on the coding strand, the complement: FANCG is on the minus strand). VCF-style: chr9-35078253-G-A. GRCh37 (hg19) VCF-style: chr9-35078250-G-A.
Other names: short protein forms P133L.
Identifiers: ClinVar variation 940932 (VCV000940932.10), dbSNP rs1270561172, ClinGen allele CA373314477.
Genomic context (GRCh38, chr9:35,078,253, plus strand): 5'-GCACTCAACCAGAGGGCAGCCTGCAGGCCAACCAGGCGGTGCAGGGCAGACAGCAGCTCC[G>A]GCAGAAGGCAGGAAGCACGAAGGACAGAGTCCCACAGCTCCCTGAGCCCCTGTTCCAACC-3'
Protein context (NP_004620.1, residues 123-143): DSVLRASCLL[Pro133Leu]ELLSALHRLV

ClinVar aggregate classification (germline): Uncertain significance. Review status: criteria provided, multiple submitters, no conflicts (2 of 4 stars). 4 submissions from 4 submitters: Uncertain significance (3). 1 of the submissions does not count toward it. Last evaluated 2024-10-22.

Conditions:
Fanconi anemia (FA). Also called: Fanconi's anemia. Identifiers: Orphanet 84, MedGen C0015625, MeSH D005199, MONDO:0019391.
Fanconi anemia complementation group G. Also called: Fanconi anemia group G; FANCG-Related Fanconi Anemia. Identifiers: Orphanet 84, MedGen C3469527, MONDO:0013565, OMIM 614082.

Allele frequency attached by ClinVar (database versions not stated): gnomAD exomes 0.00002; TOPMed 0.00002; gnomAD 0.00003.
gnomAD v4.1: 60 of 1,614,048 alleles (0.0037%); highest among the groups gnomAD compares: Admixed American, 0.0067%; no homozygotes.

Submissions (4):

Labcorp Genetics (formerly Invitae), Labcorp
Classification: Uncertain significance for Fanconi anemia. Last evaluated: 2024-10-22. Review status: criteria provided, single submitter. Criteria: Invitae Variant Classification Sherloc (09022015). Collection method: clinical testing. Allele origin: germline.
Comment: This sequence change replaces proline, which is neutral and non-polar, with leucine, which is neutral and non-polar, at codon 133 of the FANCG protein (p.Pro133Leu). This variant is present in population databases (no rsID available, gnomAD 0.006%). This variant has not been reported in the literature in individuals affected with FANCG-related conditions. ClinVar contains an entry for this variant (Variation ID: 940932). Invitae Evidence Modeling of protein sequence and biophysical properties (such as structural, functional, and spatial information, amino acid conservation, physicochemical variation, residue mobility, and thermodynamic stability) indicates that this missense variant is not expected to disrupt FANCG protein function with a negative predictive value of 80%. In summary, the available evidence is currently insufficient to determine the role of this variant in disease. Therefore, it has been classified as a Variant of Uncertain Significance.

Fulgent Genetics
Classification: Uncertain significance for Fanconi anemia complementation group G. Last evaluated: 2021-09-03. Review status: criteria provided, single submitter. Criteria: ACMG Guidelines, 2015. Collection method: clinical testing. Allele origin: unknown.

Sema4
Classification: Uncertain significance for Fanconi anemia. Last evaluated: 2021-08-17. Review status: criteria provided, single submitter. Criteria: Sema4 Curation Guidelines. Collection method: curation. Allele origin: germline.
Comment: The FANCG c.398C>T (p.P133L) variant has been reported in heterozygosity in at least two individuals with breast or ovarian cancer (PMID: 29905759, 32546565). It has also been reported in at least one healthy control individual (PMID: 32546565). This variant was observed in 2/34576 chromosomes in the Latino population according to the Genome Aggregation Database (PMID: 32461654) and has been reported in ClinVar (Variation ID: 940932). Functional studies have not been performed, and in silico predictions of the variant's effect on protein function are inconclusive. Based on the current evidence available, this variant is interpreted as a variant of uncertain significance.

Natera, Inc.
Classification: Uncertain significance for Fanconi anemia group G. Last evaluated: 2020-01-28. Review status: no assertion criteria provided. Collection method: clinical testing. Allele origin: germline. Not counted in ClinVar's aggregate classification.

Literature cited by the submitters: PubMed 29905759 (cited by Sema4); PubMed 32546565 (cited by Sema4).